The following is an entry in ClinVar:

NM_000059.4(BRCA2):c.5778_5779del (p.Ser1926fs)

Gene: BRCA2 (BRCA2 DNA repair associated; plus strand). Cytogenetic location: 13q13.1.
Variant type: Deletion.
Coding change: c.5778_5779del on transcript NM_000059.4 (MANE Select); coding-DNA positions 5778 to 5779, 2 bases deleted (TG; older notation c.5778_5779delTG).
Protein change: p.Ser1926fs; shifts the reading frame from serine 1926.
Molecular consequence: frameshift variant.
Genome position (GRCh38, 1-based): chr13:32,340,133-32,340,134, TG deleted; deleting any 2 consecutive bases within chr13:32,340,132-32,340,134 gives the same sequence; the c. name uses the placement nearest the transcript's 3' end. VCF-style (leftmost placement, unchanged base first): chr13-32340131-AGT-A. GRCh37 (hg19) VCF-style: chr13-32914268-AGT-A.
Other names: 6006delTG; c.5778_5779delTG (NM_000059.3).
Identifiers: ClinVar variation 51935 (VCV000051935.12), dbSNP rs80359536, ClinGen allele CA023212.
Genomic context (GRCh38, chr13:32,340,131, plus strand): 5'-AACTCTCTAGATAATGATGAATGTAGCACGCATTCACATAAGGTTTTTGCTGACATTCAG[AGT>A]GAAGAAATTTTACAACATAACCAAAATATGTCTGGATTGGAGAAAGTTTCTAAAATATCA-3'

ClinVar aggregate classification (germline): Pathogenic. Review status: reviewed by expert panel (3 of 4 stars). 7 submissions from 7 submitters: Pathogenic (1). 6 of the submissions do not count toward it. Last evaluated 2016-09-08.

Conditions:
Hereditary breast ovarian cancer syndrome. Also called: Hereditary breast and ovarian cancer syndrome; Hereditary breast and ovarian cancer; Hereditary breast and ovarian cancer syndrome (HBOC); Breast and ovarian cancer; Hereditary breast and/or ovarian cancer syndrome; BRCA1- and BRCA2-Associated Hereditary Breast and Ovarian Cancer. Identifiers: Orphanet 145, MedGen C0677776, MeSH D061325, MONDO:0003582. Disease mechanism: loss of function.
Hereditary cancer-predisposing syndrome. Also called: Neoplastic Syndromes, Hereditary; Tumor predisposition; Hereditary neoplastic syndrome; Hereditary Cancer Syndrome. Identifiers: Orphanet 140162, MedGen C0027672, MeSH D009386, MONDO:0015356.
Breast-ovarian cancer, familial, susceptibility to, 2 (BROVCA2). Also called: BRCA2 Hereditary Breast and Ovarian Cancer. Identifiers: Orphanet 145, MedGen C2675520, MONDO:0012933, OMIM 612555. Disease mechanism: loss of function.

Submissions (7):

Evidence-based Network for the Interpretation of Germline Mutant Alleles (ENIGMA)
Classification: Pathogenic for Breast-ovarian cancer, familial, susceptibility to, 2. Last evaluated: 2016-09-08. Review status: reviewed by expert panel. Criteria: ENIGMA BRCA1/2 Classification Criteria (2015). Collection method: curation. Allele origin: germline.
Comment: Variant allele predicted to encode a truncated non-functional protein.

Ambry Genetics
Classification: Pathogenic for Hereditary cancer-predisposing syndrome. Last evaluated: 2024-07-08. Review status: criteria provided, single submitter. Criteria: Ambry Variant Classification Scheme 2023. Collection method: clinical testing. Allele origin: germline. Not counted in ClinVar's aggregate classification.
Comment: The c.5778_5779delTG pathogenic mutation, located in coding exon 10 of the BRCA2 gene, results from a deletion of two nucleotides at nucleotide positions 5778 to 5779, causing a translational frameshift with a predicted alternate stop codon (p.S1926Rfs*7). This variant is considered to be rare based on population cohorts in the Genome Aggregation Database (gnomAD). This alteration is expected to result in loss of function by premature protein truncation or nonsense-mediated mRNA decay. As such, this alteration is interpreted as a disease-causing mutation.

Labcorp Genetics (formerly Invitae), Labcorp
Classification: Pathogenic for Hereditary breast ovarian cancer syndrome. Last evaluated: 2023-05-04. Review status: criteria provided, single submitter. Criteria: Invitae Variant Classification Sherloc (09022015). Collection method: clinical testing. Allele origin: germline. Not counted in ClinVar's aggregate classification.
Comment: For these reasons, this variant has been classified as Pathogenic. ClinVar contains an entry for this variant (Variation ID: 51935). This variant has not been reported in the literature in individuals affected with BRCA2-related conditions. This variant is not present in population databases (gnomAD no frequency). This sequence change creates a premature translational stop signal (p.Ser1926Argfs*7) in the BRCA2 gene. It is expected to result in an absent or disrupted protein product. Loss-of-function variants in BRCA2 are known to be pathogenic (PMID: 20104584).

All of Us Research Program, National Institutes of Health
Classification: Pathogenic for Breast-ovarian cancer, familial, susceptibility to, 2. Last evaluated: 2023-04-10. Review status: criteria provided, single submitter. Criteria: ACMG Guidelines, 2015. Collection method: clinical testing. Allele origin: germline. Inheritance: Autosomal dominant inheritance. Observed: 1 variant allele, 1 heterozygote. Not counted in ClinVar's aggregate classification.
Comment: This variant deletes 2 nucleotides in exon 11 of the BRCA2 gene, creating a frameshift and premature translation stop signal. This variant is expected to result in an absent or non-functional protein product. This variant has been reported in a suspected hereditary breast and ovarian cancer family (PMID: 29446198). This variant has not been identified in the general population by the Genome Aggregation Database (gnomAD). Loss of BRCA2 function is a known mechanism of disease. Based on the available evidence, this variant is classified as Pathogenic.

This study involves interpretation of variants in research participants for the purpose of population health screening. Participant phenotype was not available at the time of variant classification. Additional details can be found in publication PMID: 35346344, PMCID: PMC8962531

Consortium of Investigators of Modifiers of BRCA1/2 (CIMBA), c/o University of Cambridge
Classification: Pathogenic for Breast-ovarian cancer, familial, susceptibility to, 2. Last evaluated: 2015-10-02. Review status: criteria provided, single submitter. Criteria: CIMBA Mutation Classification guidelines May 2016. Collection method: clinical testing. Allele origin: germline. Not counted in ClinVar's aggregate classification.

Research Molecular Genetics Laboratory, Women's College Hospital, University of Toronto
Classification: Pathogenic for Hereditary breast ovarian cancer syndrome. Last evaluated: 2014-01-31. Review status: no assertion criteria provided. Collection method: research. Allele origin: germline. Affected: yes. Study: The Canadian Open Genetics Repository (COGR). Not counted in ClinVar's aggregate classification.

Breast Cancer Information Core (BIC) (BRCA2)
Classification: Pathogenic for Breast-ovarian cancer, familial 2. Last evaluated: 2003-12-23. Review status: no assertion criteria provided. Collection method: clinical testing. Allele origin: germline. Affected: yes. Observed: 1 variant allele. Not counted in ClinVar's aggregate classification.

Literature cited by the submitters: PubMed 20104584 (cited by Labcorp Genetics (formerly Invitae), Labcorp); PubMed 29446198 (cited by All of Us Research Program, National Institutes of Health).